The following is an entry in ClinVar:

NM_004408.4(DNM1):c.1422+189T>C

Gene: DNM1 (dynamin 1; plus strand). Cytogenetic location: 9q34.11.
Variant type: single nucleotide variant.
Coding change: c.1422+189T>C on transcript NM_004408.4 (MANE Select); 189 bases into the intron after coding-DNA position 1422, T replaced by C.
Molecular consequence: intron variant.
Genome position (GRCh38, 1-based): chr9:128,234,296, T>C. VCF-style: chr9-128234296-T-C. GRCh37 (hg19) VCF-style: chr9-130996575-T-C.
Other names: c.1422+189T>C (NM_001005336.3, NM_001288738.2, NM_001288737.2 and 1 more transcripts).
Identifiers: ClinVar variation 677430 (VCV000677430.2), dbSNP rs114297011, ClinGen allele CA200357816.
Genomic context (GRCh38, chr9:128,234,296, plus strand): 5'-TACTGACTCTCTGCTTCTCTCTCTTTTTTATTGCAGTAAAATACACATAACATACCACTT[T>C]AGCCATGTTTAAGCGCACAGTTCAGTGGCACTAAGTACATTTGCGCTGTTGCACAGCAAC-3'

ClinVar aggregate classification (germline): Benign. Review status: criteria provided, multiple submitters, no conflicts (2 of 4 stars). 2 submissions from 2 submitters: Benign (2). Last evaluated 2018-06-14.

Allele frequency attached by ClinVar (database versions not stated): gnomAD 0.03801 and 0.04091; 1000 Genomes Project 0.04034; 1000 Genomes Project 30x 0.04232; TOPMed 0.04378.
gnomAD v4.1: 5,736 of 152,328 alleles (3.8%); highest among the groups gnomAD compares: African/African-American, 13%; 356 homozygotes.

Submissions (2):

GeneDx
Classification: Benign. Last evaluated: 2018-06-14. Review status: criteria provided, single submitter. Criteria: GeneDx Variant Classification (06012015). Collection method: clinical testing. Allele origin: germline. Affected: yes.
Comment: This variant is considered likely benign or benign based on one or more of the following criteria: it is a conservative change, it occurs at a poorly conserved position in the protein, it is predicted to be benign by multiple in silico algorithms, and/or has population frequency not consistent with disease.

Breakthrough Genomics
Classification: Benign. Review status: criteria provided, single submitter. Criteria: ACMG Guidelines, 2015. Collection method: not provided. Allele origin: germline. Inheritance: Autosomal dominant inheritance. Affected: yes.